The following is an entry in ClinVar:

NM_020859.4(SHROOM3):c.216T>C (p.Ala72=)

Gene: SHROOM3 (shroom family member 3; plus strand). Cytogenetic location: 4q21.1.
Variant type: single nucleotide variant.
Coding change: c.216T>C on transcript NM_020859.4 (MANE Select); coding-DNA position 216, T replaced by C.
Protein change: p.Ala72=; no amino-acid change (alanine 72 retained).
Molecular consequence: synonymous variant.
Genome position (GRCh38, 1-based): chr4:76,555,656, T>C. VCF-style: chr4-76555656-T-C. GRCh37 (hg19) VCF-style: chr4-77476809-T-C.
Identifiers: ClinVar variation 785098 (VCV000785098.7), dbSNP rs75039400, ClinGen allele CA2972014.

ClinVar aggregate classification (germline): Benign. Review status: criteria provided, multiple submitters, no conflicts (2 of 4 stars). 3 submissions from 3 submitters: Benign (2). 1 of the submissions does not count toward it. Last evaluated 2019-12-31.

Conditions:
SHROOM3-related disorder. Also called: SHROOM3-related condition.

Allele frequency attached by ClinVar (database versions not stated): 1000 Genomes Project 0.01677; ESP Exome Variant Server 0.01707; gnomAD exomes 0.00373 and 0.00136; ExAC 0.00468; gnomAD 0.01414 and 0.01503; TOPMed 0.01567; 1000 Genomes Project 30x 0.01765.
gnomAD v4.1: 4,276 of 1,614,060 alleles (0.26%); highest among the groups gnomAD compares: African/African-American, 4.9%; 85 homozygotes.

Submissions (3):

Labcorp Genetics (formerly Invitae), Labcorp
Classification: Benign. Last evaluated: 2019-12-31. Review status: criteria provided, single submitter. Criteria: Invitae Variant Classification Sherloc (09022015). Collection method: clinical testing. Allele origin: germline.

Breakthrough Genomics
Classification: Benign. Review status: criteria provided, single submitter. Criteria: ACMG Guidelines, 2015. Collection method: not provided. Allele origin: germline. Inheritance: Unknown mechanism. Affected: yes.

PreventionGenetics, part of Exact Sciences
Classification: Benign for SHROOM3-related condition. Last evaluated: 2024-03-25. Review status: no assertion criteria provided. Collection method: clinical testing. Allele origin: germline. Not counted in ClinVar's aggregate classification.
Comment: This variant is classified as benign based on ACMG/AMP sequence variant interpretation guidelines (Richards et al. 2015 PMID: 25741868, with internal and published modifications).